The following is an entry in ClinVar:

NM_000372.5(TYR):c.1379T>C (p.Phe460Ser)

Gene: TYR (tyrosinase; plus strand). Cytogenetic location: 11q14.3.
Variant type: single nucleotide variant.
Coding change: c.1379T>C on transcript NM_000372.5 (MANE Select); coding-DNA position 1379, T replaced by C.
Protein change: p.Phe460Ser; replaces phenylalanine 460 with serine.
Molecular consequence: missense variant.
Genome position (GRCh38, 1-based): chr11:89,295,155, T>C. VCF-style: chr11-89295155-T-C. GRCh37 (hg19) VCF-style: chr11-89028323-T-C.
Other names: c.1379T>C (NM_000372.4); short protein forms F460S.
Identifiers: ClinVar variation 2445870 (VCV002445870.26), dbSNP rs13312744, ClinGen allele CA6221439.

ClinVar aggregate classification (germline): Conflicting classifications of pathogenicity. Review status: criteria provided, conflicting classifications (1 of 4 stars). 3 submissions from 3 submitters: Uncertain significance (2); Likely benign (1). Last evaluated 2024-11-15.

Allele frequency attached by ClinVar (database versions not stated): ESP Exome Variant Server 0.00023; TOPMed 0.00031; gnomAD 0.00032; gnomAD exomes 0.00032; ExAC 0.00052; 1000 Genomes Project 30x 0.00062; 1000 Genomes Project 0.00080.
gnomAD v4.1: 534 of 1,613,980 alleles (0.033%); highest among the groups gnomAD compares: Middle Eastern, 0.15%; 4 homozygotes.

Submissions (3):

Blueprint Genetics
Classification: Uncertain significance. Last evaluated: 2024-11-15. Review status: criteria provided, single submitter. Criteria: ACMG Guidelines, 2015. Collection method: clinical testing. Allele origin: germline.

Women's Health and Genetics/Laboratory Corporation of America, LabCorp
Classification: Uncertain significance. Last evaluated: 2024-07-29. Review status: criteria provided, single submitter. Criteria: LabCorp Variant Classification Summary - May 2015. Collection method: clinical testing. Allele origin: germline.
Comment: Variant summary: TYR c.1379T>C (p.Phe460Ser) results in a non-conservative amino acid change in the encoded protein sequence. Three of five in-silico tools predict a benign effect of the variant on protein function. The variant allele was found at a frequency of 0.00033 in 1614400 control chromosomes in the gnomAD database, including 4 homozygotes. This frequency is not significantly higher than estimated for a pathogenic variant in TYR causing Oculocutaneous Albinism (0.00033 vs 0.0056), allowing no conclusion about variant significance. c.1379T>C has not been reported in the literature in individuals affected with Oculocutaneous Albinism, although it was reported as homozygous in an individual with cardiac defects who also had a truncating TBX5 variants and variants in other genes (example: Azab_2022). This report does not provide unequivocal conclusions about association of the variant with Oculocutaneous Albinism. To our knowledge, no experimental evidence demonstrating an impact on protein function has been reported. The following publications have been ascertained in the context of this evaluation (PMID: 35514310, 23085273, 15885985). ClinVar contains an entry for this variant (Variation ID: 2445870). Based on the evidence outlined above, the variant was classified as uncertain significance.

CeGaT Center for Human Genetics Tuebingen
Classification: Likely benign. Last evaluated: 2024-02-01. Review status: criteria provided, single submitter. Criteria: CeGaT Center For Human Genetics Tuebingen Variant Classification Criteria Version 2. Collection method: clinical testing. Allele origin: germline. Affected: yes. Observed: 1 variant allele.
Comment: TYR: BP4

Literature cited by the submitters: PubMed 35514310 (cited by Women's Health and Genetics/Laboratory Corporation of America, LabCorp); PubMed 23085273 (cited by Women's Health and Genetics/Laboratory Corporation of America, LabCorp); PubMed 15885985 (cited by Women's Health and Genetics/Laboratory Corporation of America, LabCorp).